The following is an entry in ClinVar:

ClinVar aggregate classification (germline): Pathogenic (1 of 4 stars; one submission).

Conditions:
Nemaline myopathy 2 (NEM2). Also called: Nemaline myopathy 2, autosomal recessive. Identifiers: MedGen C1850569, MONDO:0009725, OMIM 256030.

Submission:

Labcorp Genetics (formerly Invitae), Labcorp
Classification: Pathogenic for Nemaline myopathy 2. Last evaluated: 2021-12-18. Review status: criteria provided, single submitter. Criteria: Invitae Variant Classification Sherloc (09022015). Collection method: clinical testing. Allele origin: germline.
Comment: This variant is not present in population databases (gnomAD no frequency). For these reasons, this variant has been classified as Pathogenic. This variant has not been reported in the literature in individuals affected with NEB-related conditions. This sequence change creates a premature translational stop signal (p.Lys6605*) in the NEB gene. It is expected to result in an absent or disrupted protein product. Loss-of-function variants in NEB are known to be pathogenic (PMID: 25205138).

Literature cited by the submitters: PubMed 25205138.

NM_001164508.2(NEB):c.19813A>T (p.Lys6605Ter)

Gene: NEB (nebulin; minus strand). Cytogenetic location: 2q23.3.
Variant type: single nucleotide variant.
Coding change: c.19813A>T on transcript NM_001164508.2 (MANE Select); coding-DNA position 19813, A replaced by T.
Protein change: p.Lys6605Ter; replaces lysine 6605 with a stop codon.
Molecular consequence: nonsense.
Genome position (GRCh38, 1-based): chr2:151,552,695, T>A on the plus strand (A>T on the coding strand, the complement: NEB is on the minus strand). VCF-style: chr2-151552695-T-A. GRCh37 (hg19) VCF-style: chr2-152409209-T-A.
Other names: c.19813A>T, p.Lys6605Ter (NM_001164507.2, NM_001271208.2); c.14710A>T, p.Lys4904Ter (NM_004543.5); short protein forms K4904*, K6605*.
Identifiers: ClinVar variation 2046346 (VCV002046346.4), dbSNP rs2552184215, ClinGen allele CA348787662.